The following is an entry in ClinVar:

ClinVar aggregate classification (germline): Uncertain significance (1 of 4 stars; one submission).

Conditions:
Symmetrical dyschromatosis of extremities (DSH). Also called: RETICULATE ACROPIGMENTATION OF DOHI; SYMMETRIC DYSCHROMATOSIS OF THE EXTREMITIES; Dyschromatosis symmetrica hereditaria; DYSCHROMATOSIS SYMMETRICA HEREDITARIA 1. Identifiers: Orphanet 41, MedGen C0406775, MONDO:0007483, OMIM 127400.
Aicardi-Goutieres syndrome 6 (AGS6). Identifiers: Orphanet 51, MedGen C3539013, MONDO:0014007, OMIM 615010.

Allele frequency attached by ClinVar (database versions not stated): TOPMed 0.00001; ExAC 0.00001; gnomAD 0.00001; gnomAD exomes 0.00001 and 0.00002.
gnomAD v4.1: 5 of 1,613,956 alleles (0.00031%); highest among the groups gnomAD compares: Admixed American, 0.005%; no homozygotes.

Submission:

Labcorp Genetics (formerly Invitae), Labcorp
Classification: Uncertain significance for Aicardi-Goutieres syndrome 6; Symmetrical dyschromatosis of extremities. Last evaluated: 2026-01-17. Review status: criteria provided, single submitter. Criteria: Invitae Variant Classification Sherloc (09022015). Collection method: clinical testing. Allele origin: germline.
Comment: This sequence change replaces proline, which is neutral and non-polar, with serine, which is neutral and polar, at codon 221 of the ADAR protein (p.Pro221Ser). This variant is present in population databases (rs752904311, gnomAD 0.009%). This variant has not been reported in the literature in individuals affected with ADAR-related conditions. ClinVar contains an entry for this variant (Variation ID: 1437350). Experimental studies and prediction algorithms are not available or were not evaluated, and the functional significance of this variant is currently unknown. In summary, the available evidence is currently insufficient to determine the role of this variant in disease. Therefore, it has been classified as a Variant of Uncertain Significance.

NM_001111.5(ADAR):c.661C>T (p.Pro221Ser)

Gene: ADAR (adenosine deaminase RNA specific; minus strand). Cytogenetic location: 1q21.3.
Variant type: single nucleotide variant.
Coding change: c.661C>T on transcript NM_001111.5 (MANE Select); coding-DNA position 661, C replaced by T.
Protein change: p.Pro221Ser; replaces proline 221 with serine.
Molecular consequence: missense variant. On other transcripts: 5 prime UTR variant (6).
Genome position (GRCh38, 1-based): chr1:154,601,981, G>A on the plus strand (C>T on the coding strand, the complement: ADAR is on the minus strand). VCF-style: chr1-154601981-G-A. GRCh37 (hg19) VCF-style: chr1-154574457-G-A.
Other names: c.-225C>T (NM_001025107.3, NM_001193495.2, NM_001365046.1 and 3 more transcripts); c.688C>T, p.Pro230Ser (NM_001365045.1); c.661C>T, p.Pro221Ser (NM_015840.4, NM_015841.4); short protein forms P230S, P221S.
Identifiers: ClinVar variation 1437350 (VCV001437350.8), dbSNP rs752904311, ClinGen allele CA1131658.